The following is an entry in ClinVar:

ClinVar aggregate classification (germline): Conflicting classifications of pathogenicity. Review status: criteria provided, conflicting classifications (1 of 4 stars). 3 submissions from 3 submitters: Uncertain significance (2); Likely benign (1). Last evaluated 2026-09-01.

Conditions:
Emery-Dreifuss muscular dystrophy 5, autosomal dominant (EDMD5). Also called: EMERY-DREIFUSS MUSCULAR DYSTROPHY 5. Identifiers: Orphanet 261, MedGen C2751805, MONDO:0013072, OMIM 612999.

Allele frequency attached by ClinVar (database versions not stated): ExAC 0.00002; gnomAD 0.00002; gnomAD exomes 0.00002; TOPMed 0.00002; 1000 Genomes Project 30x 0.00016; 1000 Genomes Project 0.00020.
gnomAD v4.1: 36 of 1,614,066 alleles (0.0022%); highest among the groups gnomAD compares: East Asian, 0.045%; 1 homozygote.

Submissions (3):

CeGaT Center for Human Genetics Tuebingen
Classification: Likely benign. Last evaluated: 2026-09-01. Review status: criteria provided, single submitter. Criteria: CeGaT Center For Human Genetics Tuebingen Variant Classification Criteria Version 2. Collection method: clinical testing. Allele origin: germline. Affected: yes. Observed: 1 variant allele.
Comment: SYNE2: BP4, BS2

Ambry Genetics
Classification: Uncertain significance. Last evaluated: 2023-08-08. Review status: criteria provided, single submitter. Criteria: Ambry Variant Classification Scheme 2023. Collection method: clinical testing. Allele origin: germline.

Labcorp Genetics (formerly Invitae), Labcorp
Classification: Uncertain significance for Emery-Dreifuss muscular dystrophy 5, autosomal dominant. Last evaluated: 2023-03-09. Review status: criteria provided, single submitter. Criteria: Invitae Variant Classification Sherloc (09022015). Collection method: clinical testing. Allele origin: germline.
Comment: An algorithm developed to predict the effect of missense changes on protein structure and function (PolyPhen-2) suggests that this variant is likely to be disruptive. In summary, the available evidence is currently insufficient to determine the role of this variant in disease. Therefore, it has been classified as a Variant of Uncertain Significance. This sequence change replaces isoleucine, which is neutral and non-polar, with threonine, which is neutral and polar, at codon 4753 of the SYNE2 protein (p.Ile4753Thr). This variant is present in population databases (rs201177760, gnomAD 0.01%). This variant has not been reported in the literature in individuals affected with SYNE2-related conditions.

NM_182914.3(SYNE2):c.14258T>C (p.Ile4753Thr)

Gene: SYNE2 (spectrin repeat containing nuclear envelope protein 2; plus strand). Cytogenetic location: 14q23.2.
Variant type: single nucleotide variant.
Coding change: c.14258T>C on transcript NM_182914.3 (MANE Select); coding-DNA position 14258, T replaced by C.
Protein change: p.Ile4753Thr; replaces isoleucine 4753 with threonine.
Molecular consequence: missense variant.
Genome position (GRCh38, 1-based): chr14:64,130,166, T>C. VCF-style: chr14-64130166-T-C. GRCh37 (hg19) VCF-style: chr14-64596884-T-C.
Other names: c.14258T>C, p.Ile4753Thr (NM_015180.6); short protein forms I4753T.
Identifiers: ClinVar variation 2599532 (VCV002599532.6), dbSNP rs201177760, ClinGen allele CA7222728.